The following is an entry in ClinVar:

ClinVar aggregate classification (germline): Uncertain significance (1 of 4 stars; one submission).

Conditions:
Inborn genetic diseases. Identifiers: MedGen C0950123, MeSH D030342.

Submission:

Ambry Genetics
Classification: Uncertain significance for Inborn genetic diseases. Last evaluated: 2023-01-12. Review status: criteria provided, single submitter. Criteria: Ambry Variant Classification Scheme 2023. Collection method: clinical testing. Allele origin: germline.
Comment: The p.G1805E variant (also known as c.5414G>A), located in coding exon 32 of the ATR gene, results from a G to A substitution at nucleotide position 5414. The glycine at codon 1805 is replaced by glutamic acid, an amino acid with similar properties. This amino acid position is conserved. In addition, this alteration is predicted to be deleterious by in silico analysis. Since supporting evidence is limited at this time, the clinical significance of this alteration remains unclear.

NM_001184.4(ATR):c.5414G>A (p.Gly1805Glu)

Gene: ATR (ATR checkpoint kinase; minus strand). Cytogenetic location: 3q23.
Variant type: single nucleotide variant.
Coding change: c.5414G>A on transcript NM_001184.4 (MANE Select); coding-DNA position 5414, G replaced by A.
Protein change: p.Gly1805Glu; replaces glycine 1805 with glutamic acid.
Molecular consequence: missense variant.
Genome position (GRCh38, 1-based): chr3:142,498,741, C>T on the plus strand (G>A on the coding strand, the complement: ATR is on the minus strand). VCF-style: chr3-142498741-C-T. GRCh37 (hg19) VCF-style: chr3-142217583-C-T.
Other names: c.5222G>A, p.Gly1741Glu (NM_001354579.2); short protein forms G1805E, G1741E.
Identifiers: ClinVar variation 2453568 (VCV002453568.2), dbSNP rs2031786313, ClinGen allele CA354816257.